The following is an entry in ClinVar:

NM_001197104.2(KMT2A):c.7091C>G (p.Ser2364Cys)

Gene: KMT2A (lysine methyltransferase 2A; plus strand). Cytogenetic location: 11q23.3.
Variant type: single nucleotide variant.
Coding change: c.7091C>G on transcript NM_001197104.2 (MANE Select); coding-DNA position 7091, C replaced by G.
Protein change: p.Ser2364Cys; replaces serine 2364 with cysteine.
Molecular consequence: missense variant.
Genome position (GRCh38, 1-based): chr11:118,502,983, C>G. VCF-style: chr11-118502983-C-G. GRCh37 (hg19) VCF-style: chr11-118373698-C-G.
Other names: c.7181C>G, p.Ser2394Cys (NM_001412597.1); c.7082C>G, p.Ser2361Cys (NM_005933.4); short protein forms S2361C, S2394C, S2364C.
Identifiers: ClinVar variation 2193240 (VCV002193240.5), dbSNP rs781911944, ClinGen allele CA6304357.

ClinVar aggregate classification (germline): Conflicting classifications of pathogenicity. Review status: criteria provided, conflicting classifications (1 of 4 stars). 2 submissions from 2 submitters: Uncertain significance (1); Likely benign (1). Last evaluated 2025-03-04.

Conditions:
Inborn genetic diseases. Identifiers: MedGen C0950123, MeSH D030342.

Allele frequency attached by ClinVar (database versions not stated): TOPMed below 0.00001; ExAC 0.00001; gnomAD exomes 0.00001.
gnomAD v4.1: 7 of 1,613,992 alleles (0.00043%); highest among the groups gnomAD compares: Non-Finnish European, 0.00059%; no homozygotes.

Submissions (2):

Ambry Genetics
Classification: Likely benign for Inborn genetic diseases. Last evaluated: 2025-03-04. Review status: criteria provided, single submitter. Criteria: Ambry Variant Classification Scheme 2023. Collection method: clinical testing. Allele origin: germline.

Labcorp Genetics (formerly Invitae), Labcorp
Classification: Uncertain significance. Last evaluated: 2025-01-06. Review status: criteria provided, single submitter. Criteria: Invitae Variant Classification Sherloc (09022015). Collection method: clinical testing. Allele origin: germline.
Comment: This sequence change replaces serine, which is neutral and polar, with cysteine, which is neutral and slightly polar, at codon 2364 of the KMT2A protein (p.Ser2364Cys). This variant is present in population databases (rs781911944, gnomAD 0.003%). This variant has not been reported in the literature in individuals affected with KMT2A-related conditions. ClinVar contains an entry for this variant (Variation ID: 2193240). Invitae Evidence Modeling of protein sequence and biophysical properties (such as structural, functional, and spatial information, amino acid conservation, physicochemical variation, residue mobility, and thermodynamic stability) indicates that this missense variant is not expected to disrupt KMT2A protein function with a negative predictive value of 95%. In summary, the available evidence is currently insufficient to determine the role of this variant in disease. Therefore, it has been classified as a Variant of Uncertain Significance.